The following is an entry in ClinVar:

NM_001382391.1(CSPP1):c.2238C>A (p.Phe746Leu)

Gene: CSPP1 (centrosome and spindle pole associated protein 1; plus strand). Cytogenetic location: 8q13.2.
Variant type: single nucleotide variant.
Coding change: c.2238C>A on transcript NM_001382391.1 (MANE Select); coding-DNA position 2238, C replaced by A.
Protein change: p.Phe746Leu; replaces phenylalanine 746 with leucine.
Molecular consequence: missense variant.
Genome position (GRCh38, 1-based): chr8:67,154,133, C>A. VCF-style: chr8-67154133-C-A. GRCh37 (hg19) VCF-style: chr8-68066368-C-A.
Other names: c.2223C>A, p.Phe741Leu (NM_024790.7); c.1188C>A, p.Phe396Leu (NM_001291339.2); c.2157C>A, p.Phe719Leu (NM_001363131.2); c.2043C>A, p.Phe681Leu (NM_001363132.2); c.1962C>A, p.Phe654Leu (NM_001363133.2); c.2304C>A, p.Phe768Leu (NM_001364869.1); c.2124C>A, p.Phe708Leu (NM_001364870.1); short protein forms F396L, F654L, F719L, F708L, F768L, F681L, F746L, F741L.
Identifiers: ClinVar variation 966728 (VCV000966728.8), dbSNP rs372716023, ClinGen allele CA4770776.

ClinVar aggregate classification (germline): Uncertain significance. Review status: criteria provided, multiple submitters, no conflicts (2 of 4 stars). 4 submissions from 4 submitters: Uncertain significance (4). Last evaluated 2025-08-25.

Conditions:
Inborn genetic diseases. Identifiers: MedGen C0950123, MeSH D030342.
Joubert syndrome 21 (JBTS21). Identifiers: MedGen C3810212, MONDO:0014288, OMIM 615636.

Allele frequency attached by ClinVar (database versions not stated): ESP Exome Variant Server 0.00008; gnomAD 0.00010 and 0.00011; TOPMed 0.00010; ExAC 0.00011; gnomAD exomes 0.00011.
gnomAD v4.1: 160 of 1,426,322 alleles (0.011%); highest among the groups gnomAD compares: Middle Eastern, 0.052%; no homozygotes.

Submissions (4):

Ambry Genetics
Classification: Uncertain significance for Inborn genetic diseases. Last evaluated: 2025-08-25. Review status: criteria provided, single submitter. Criteria: Ambry Variant Classification Scheme 2023. Collection method: clinical testing. Allele origin: germline.

GeneDx
Classification: Uncertain significance. Last evaluated: 2025-07-11. Review status: criteria provided, single submitter. Criteria: GeneDx Variant Classification Process June 2021. Collection method: clinical testing. Allele origin: germline. Affected: yes.
Comment: In silico analysis suggests that this missense variant does not alter protein structure/function; Has not been previously published as pathogenic or benign to our knowledge

Blueprint Genetics
Classification: Uncertain significance. Last evaluated: 2024-11-22. Review status: criteria provided, single submitter. Criteria: ACMG Guidelines, 2015. Collection method: clinical testing. Allele origin: germline.

Labcorp Genetics (formerly Invitae), Labcorp
Classification: Uncertain significance for Joubert syndrome 21. Last evaluated: 2024-01-22. Review status: criteria provided, single submitter. Criteria: Invitae Variant Classification Sherloc (09022015). Collection method: clinical testing. Allele origin: germline.
Comment: This sequence change replaces phenylalanine, which is neutral and non-polar, with leucine, which is neutral and non-polar, at codon 741 of the CSPP1 protein (p.Phe741Leu). This variant is present in population databases (rs372716023, gnomAD 0.02%). This variant has not been reported in the literature in individuals affected with CSPP1-related conditions. ClinVar contains an entry for this variant (Variation ID: 966728). An algorithm developed to predict the effect of missense changes on protein structure and function (PolyPhen-2) suggests that this variant¬†is likely to be tolerated. In summary, the available evidence is currently insufficient to determine the role of this variant in disease. Therefore, it has been classified as a Variant of Uncertain Significance.